The following is an entry in ClinVar:

ClinVar aggregate classification (germline): Likely pathogenic (1 of 4 stars; one submission).

Conditions:
Cerebellar ataxia, impaired intellectual development, and dysequilibrium syndrome 4. Also called: CEREBELLAR ATAXIA AND MENTAL RETARDATION WITH OR WITHOUT QUADRUPEDAL LOCOMOTION 4; Cerebellar ataxia, mental retardation, and dysequilibrium syndrome 4; Cerebellar ataxia, intellectual disability, and dysequilibrium syndrome 4. Identifiers: Orphanet 1766, MedGen C3808977, MONDO:0014104, OMIM 615268.

Submission:

Department of Molecular Genetics, Istishari Arab Hospital
Classification: Likely pathogenic for Cerebellar ataxia, impaired intellectual development, and dysequilibrium syndrome 4. Last evaluated: 2026-02-23. Review status: criteria provided, single submitter. Criteria: ACMG Guidelines, 2015. Collection method: clinical testing. Allele origin: germline. Inheritance: Autosomal recessive inheritance. Affected: yes.
Comment: The ATP8A2 variant c.2733G>A, p.Trp911*creates a premature stop codon at position 911 in exon 28 (out of 37 exons). This stop-gained (nonsense) variant is predicted to result in a loss or disruption of normal protein function through nonsense-mediated decay (NMD) or protein truncation. The variant is not observed in the gnomAD v4.1.0 dataset. To the best of our knowledge, this variant was not previously reported in the literature. It is classified as likely pathogenic according to the recommendations of ACMG/AMP/ClinGen SVI guidelines.

NM_016529.6(ATP8A2):c.2733G>A (p.Trp911Ter)

Gene: ATP8A2 (ATPase phospholipid transporting 8A2). Cytogenetic location: 13q12.13.
Variant type: single nucleotide variant.
Coding change: c.2733G>A on transcript NM_016529.6 (MANE Select); coding-DNA position 2733, G replaced by A.
Protein change: p.Trp911Ter; replaces tryptophan 911 with a stop codon.
Molecular consequence: nonsense. On other transcripts: intron variant (2).
Genome position (GRCh38, 1-based): chr13:25,828,171, G>A. VCF-style: chr13-25828171-G-A. GRCh37 (hg19) VCF-style: chr13-26402309-G-A.
Other names: p.Trp911*; c.2733G>A, p.Trp911Ter (NM_001411006.1); c.2680-8992G>A (NM_001411005.1); c.2560-8992G>A (NM_001313741.1); short protein forms W911*.
Identifiers: ClinVar variation 4796678 (VCV004796678.1).
Genomic context (GRCh38, chr13:25,828,171, plus strand): 5'-CTTTCAGCTTTGGTTCGCCTTTGTTAATGGATTTTCTGGGCAGATTTTATTTGAACGTTG[G>A]TGCATCGGCCTGTACAATGTGGTAAGCATTCTTCATCTCTATCTGATAGCATGCAGAACT-3'